The following is an entry in ClinVar:

NM_006269.2(RP1):c.1840C>T (p.His614Tyr)

Gene: RP1 (RP1 axonemal microtubule associated; plus strand). Cytogenetic location: 8q12.1.
Variant type: single nucleotide variant.
Coding change: c.1840C>T on transcript NM_006269.2 (MANE Select); coding-DNA position 1840, C replaced by T.
Protein change: p.His614Tyr; replaces histidine 614 with tyrosine.
Molecular consequence: missense variant. On other transcripts: intron variant (1).
Genome position (GRCh38, 1-based): chr8:54,625,722, C>T. VCF-style: chr8-54625722-C-T. GRCh37 (hg19) VCF-style: chr8-55538282-C-T.
Other names: c.787+3434C>T (NM_001375654.1); short protein forms H614Y.
Identifiers: ClinVar variation 2101547 (VCV002101547.4), dbSNP rs2536571963, ClinGen allele CA370991801.

ClinVar aggregate classification (germline): Uncertain significance (1 of 4 stars; one submission).

gnomAD v4.1: 2 of 1,613,996 alleles (0.00012%); highest among the groups gnomAD compares: Admixed American, 0.0017%; no homozygotes.

Submission:

Labcorp Genetics (formerly Invitae), Labcorp
Classification: Uncertain significance. Last evaluated: 2022-10-17. Review status: criteria provided, single submitter. Criteria: Invitae Variant Classification Sherloc (09022015). Collection method: clinical testing. Allele origin: germline.
Comment: This variant is not present in population databases (gnomAD no frequency). In summary, the available evidence is currently insufficient to determine the role of this variant in disease. Therefore, it has been classified as a Variant of Uncertain Significance. Algorithms developed to predict the effect of missense changes on protein structure and function output the following: SIFT: "Tolerated"; PolyPhen-2: "Benign"; Align-GVGD: "Class C0". The tyrosine amino acid residue is found in multiple mammalian species, which suggests that this missense change does not adversely affect protein function. This variant has not been reported in the literature in individuals affected with RP1-related conditions. This sequence change replaces histidine, which is basic and polar, with tyrosine, which is neutral and polar, at codon 614 of the RP1 protein (p.His614Tyr).